The following is an entry in ClinVar:

ClinVar aggregate classification (germline): Uncertain significance (1 of 4 stars; one submission).

Allele frequency attached by ClinVar (database versions not stated): gnomAD exomes below 0.00001.
gnomAD v4.1: 1 of 1,585,758 alleles (0.000063%); highest among the groups gnomAD compares: Non-Finnish European, 0.000086%; no homozygotes.

Submission:

GeneDx
Classification: Uncertain significance. Last evaluated: 2017-07-12. Review status: criteria provided, single submitter. Criteria: GeneDx Variant Classification (06012015). Collection method: clinical testing. Allele origin: germline. Affected: yes.
Comment: The G20D variant in the HNRNPK gene has not been reported previously as a pathogenic variant, nor as a benign variant, to our knowledge. This variant is not observed in large population cohorts (Lek et al., 2016; 1000 Genomes Consortium et al., 2015; Exome Variant Server). The G20D variant is a non-conservative amino acid substitution, which is likely to impact secondary protein structure as these residues differ in polarity, charge, size and/or other properties. This substitution occurs at a position that is conserved in mammals. In silico analysis is inconsistent in its predictions as to whether or not the variant is damaging to the protein structure/function. Based on currently available evidence, we interpret G20D as a variant of uncertain significance.

NM_031263.4(HNRNPK):c.59G>A (p.Gly20Asp)

Gene: HNRNPK (heterogeneous nuclear ribonucleoprotein K; minus strand). Cytogenetic location: 9q21.32.
Variant type: single nucleotide variant.
Coding change: c.59G>A on transcript NM_031263.4 (MANE Select); coding-DNA position 59, G replaced by A.
Protein change: p.Gly20Asp; replaces glycine 20 with aspartic acid.
Molecular consequence: missense variant.
Genome position (GRCh38, 1-based): chr9:83,977,786, C>T on the plus strand (G>A on the coding strand, the complement: HNRNPK is on the minus strand). VCF-style: chr9-83977786-C-T. GRCh37 (hg19) VCF-style: chr9-86592701-C-T.
Other names: c.59G>A, p.Gly20Asp (NM_001318186.2, NM_001318187.2, NM_001318188.2 and 2 more transcripts); short protein forms G20D.
Identifiers: ClinVar variation 450456 (VCV000450456.2), dbSNP rs1375976941, ClinGen allele CA373932298.
Genomic context (GRCh38, chr9:83,977,786, plus strand): 5'-TCAGTGTTTCTAGATCTTTTAAATGCTTGTTCCTCTTCCATATCTTCTGCAGGGCGTTTA[C>T]CTAAAAATTAACAGTTCACATTTCAAAGAAAGCAGCGAAGTCTCCAAAGTAACTCCATTC-3'
Protein context (NP_112553.1, residues 10-30): FPNTETNGEF[Gly20Asp]KRPAEDMEEE